The following is an entry in ClinVar:

ClinVar aggregate classification (germline): Uncertain significance (1 of 4 stars; one submission).

Allele frequency attached by ClinVar (database versions not stated): ExAC 0.00002; gnomAD exomes 0.00002.
gnomAD v4.1: 30 of 1,614,162 alleles (0.0019%); highest among the groups gnomAD compares: Non-Finnish European, 0.0025%; no homozygotes.

Submission:

Labcorp Genetics (formerly Invitae), Labcorp
Classification: Uncertain significance. Last evaluated: 2025-07-22. Review status: criteria provided, single submitter. Criteria: Invitae Variant Classification Sherloc (09022015). Collection method: clinical testing. Allele origin: germline.
Comment: This sequence change replaces glutamine, which is neutral and polar, with histidine, which is basic and polar, at codon 442 of the COL4A1 protein (p.Gln442His). This variant is present in population databases (rs764944319, gnomAD 0.003%). This variant has not been reported in the literature in individuals affected with COL4A1-related conditions. ClinVar contains an entry for this variant (Variation ID: 2166857). Invitae Evidence Modeling of protein sequence and biophysical properties (such as structural, functional, and spatial information, amino acid conservation, physicochemical variation, residue mobility, and thermodynamic stability) indicates that this missense variant is not expected to disrupt COL4A1 protein function with a negative predictive value of 95%. In summary, the available evidence is currently insufficient to determine the role of this variant in disease. Therefore, it has been classified as a Variant of Uncertain Significance.

NM_001845.6(COL4A1):c.1326G>C (p.Gln442His)

Genes: COL4A1 (collagen type IV alpha 1 chain; minus strand), LOC126861856 (BRD4-independent group 4 enhancer GRCh37_chr13:110846747-110847946; plus strand). Cytogenetic location: 13q34.
Variant type: single nucleotide variant.
Coding change: c.1326G>C on transcript NM_001845.6 (MANE Select); coding-DNA position 1326, G replaced by C.
Protein change: p.Gln442His; replaces glutamine 442 with histidine.
Molecular consequence: missense variant.
Genome position (GRCh38, 1-based): chr13:110,195,078, C>G on the plus strand (G>C on the coding strand, the complement: COL4A1 is on the minus strand). VCF-style: chr13-110195078-C-G. GRCh37 (hg19) VCF-style: chr13-110847425-C-G.
Other names: c.1326G>C, p.Gln442His (NM_001303110.2); short protein forms Q442H.
Identifiers: ClinVar variation 2166857 (VCV002166857.4), dbSNP rs764944319, ClinGen allele CA7047986.